The following is an entry in ClinVar:

ClinVar aggregate classification (germline): Uncertain significance (1 of 4 stars; one submission).

Conditions:
Spermatogenic failure 18. Identifiers: MedGen C4539783, MONDO:0054615, OMIM 617576.
Ciliary dyskinesia, primary, 37 (CILD37). Also called: CILIARY DYSKINESIA, PRIMARY, 37, WITH OR WITHOUT SITUS INVERSUS. Identifiers: MedGen C4539798, MONDO:0033204, OMIM 617577.

Submission:

Labcorp Genetics (formerly Invitae), Labcorp
Classification: Uncertain significance for Ciliary dyskinesia, primary, 37; Spermatogenic failure 18. Last evaluated: 2025-05-19. Review status: criteria provided, single submitter. Criteria: Invitae Variant Classification Sherloc (09022015). Collection method: clinical testing. Allele origin: germline.
Comment: This sequence change replaces threonine, which is neutral and polar, with proline, which is neutral and non-polar, at codon 1437 of the DNAH1 protein (p.Thr1437Pro). This variant is not present in population databases (gnomAD no frequency). This variant has not been reported in the literature in individuals affected with DNAH1-related conditions. Invitae Evidence Modeling of protein sequence and biophysical properties (such as structural, functional, and spatial information, amino acid conservation, physicochemical variation, residue mobility, and thermodynamic stability) indicates that this missense variant is expected to disrupt DNAH1 protein function with a positive predictive value of 80%. In summary, the available evidence is currently insufficient to determine the role of this variant in disease. Therefore, it has been classified as a Variant of Uncertain Significance.

NM_015512.5(DNAH1):c.4309A>C (p.Thr1437Pro)

Gene: DNAH1 (dynein axonemal heavy chain 1; plus strand). Cytogenetic location: 3p21.1.
Variant type: single nucleotide variant.
Coding change: c.4309A>C on transcript NM_015512.5 (MANE Select); coding-DNA position 4309, A replaced by C.
Protein change: p.Thr1437Pro; replaces threonine 1437 with proline.
Molecular consequence: missense variant.
Genome position (GRCh38, 1-based): chr3:52,359,288, A>C. VCF-style: chr3-52359288-A-C. GRCh37 (hg19) VCF-style: chr3-52393304-A-C.
Other names: short protein forms T1437P.
Identifiers: ClinVar variation 4783198 (VCV004783198.1).